The following is an entry in ClinVar:

ClinVar aggregate classification (germline): Likely benign (0 of 4 stars; one submission).

Conditions:
PIEZO1-related disorder. Also called: PIEZO1-Related Disorders; PIEZO1-related condition.

Allele frequency attached by ClinVar (database versions not stated): gnomAD exomes 0.00002; ExAC 0.00007; gnomAD 0.00007.

Submission:

PreventionGenetics, part of Exact Sciences
Classification: Likely benign for PIEZO1-related condition. Last evaluated: 2020-02-20. Review status: no assertion criteria provided. Collection method: clinical testing. Allele origin: germline.
Comment: This variant is classified as likely benign based on ACMG/AMP sequence variant interpretation guidelines (Richards et al. 2015 PMID: 25741868, with internal and published modifications).

NM_001142864.4(PIEZO1):c.2274C>T (p.Ser758=)

Genes: HSALR1 (HSP90AB1 associated lncRNA 1; plus strand), PIEZO1 (piezo type mechanosensitive ion channel component 1 (Er blood group); minus strand). Cytogenetic location: 16q24.3.
Variant type: single nucleotide variant.
Coding change: c.2274C>T on transcript NM_001142864.4 (MANE Select); coding-DNA position 2274, C replaced by T.
Protein change: p.Ser758=; no amino-acid change (serine 758 retained).
Molecular consequence: synonymous variant.
Genome position (GRCh38, 1-based): chr16:88,733,961, G>A on the plus strand (C>T on the coding strand, the complement: PIEZO1 is on the minus strand). VCF-style: chr16-88733961-G-A. GRCh37 (hg19) VCF-style: chr16-88800369-G-A.
Other names: c.816C>T, p.Ser272= (NM_014745.1).
Identifiers: ClinVar variation 3052096 (VCV003052096.2), dbSNP rs761095793, ClinGen allele CA8232818.